The following is an entry in ClinVar:

NM_001042492.3(NF1):c.1950dup (p.Leu651fs)

Gene: NF1 (neurofibromin 1; plus strand). Cytogenetic location: 17q11.2.
Variant type: Duplication.
Coding change: c.1950dup on transcript NM_001042492.3 (MANE Select); coding-DNA position 1950, one base duplicated (A; older notation c.1950dupA).
Protein change: p.Leu651fs; shifts the reading frame from leucine 651.
Molecular consequence: frameshift variant.
Genome position (GRCh38, 1-based): chr17:31,225,199, A duplicated. VCF-style (leftmost placement, unchanged base first): chr17-31225198-T-TA. GRCh37 (hg19) VCF-style: chr17-29552216-T-TA.
Other names: c.1950dup, p.Leu651Thrfs (NM_000267.4); short protein forms L651fs.
Identifiers: ClinVar variation 3772663 (VCV003772663.2).
Genomic context (GRCh38, chr17:31,225,198, plus strand): 5'-TAGGATGTGATATTCCTTCTAGTGGAAATACCAGTCAAATGTCCATGGATCATGAAGAAT[T>TA]ACTACGTACTCCTGGAGCCTCTCTCCGGAAGGGAAAAGGGAACTCCTCTATGGTCAGCTT-3'

ClinVar aggregate classification (germline): Pathogenic/Likely pathogenic. Review status: criteria provided, multiple submitters, no conflicts (2 of 4 stars). 2 submissions from 2 submitters: Pathogenic (1); Likely pathogenic (1). Last evaluated 2025-07-02.

Conditions:
Neurofibromatosis, type 1 (NF1). Also called: Peripheral type neurofibromatosis; VON RECKLINGHAUSEN DISEASE; NEUROFIBROMATOSIS, TYPE I, SOMATIC; Neurofibromatosis, type I. Identifiers: Orphanet 636, MedGen C0027831, MONDO:0018975, OMIM 162200. Disease mechanism: loss of function.

Submissions (2):

Labcorp Genetics (formerly Invitae), Labcorp
Classification: Pathogenic for Neurofibromatosis, type 1. Last evaluated: 2025-07-02. Review status: criteria provided, single submitter. Criteria: Invitae Variant Classification Sherloc (09022015). Collection method: clinical testing. Allele origin: germline.
Comment: This sequence change creates a premature translational stop signal (p.Leu651Thrfs*19) in the NF1 gene. It is expected to result in an absent or disrupted protein product. Loss-of-function variants in NF1 are known to be pathogenic (PMID: 10712197, 23913538). This variant is not present in population databases (gnomAD no frequency). This variant has not been reported in the literature in individuals affected with NF1-related conditions. ClinVar contains an entry for this variant (Variation ID: 3772663). For these reasons, this variant has been classified as Pathogenic.

Institute of Human Genetics, Cologne University
Classification: Likely pathogenic for Neurofibromatosis, type 1. Last evaluated: 2025-02-19. Review status: criteria provided, single submitter. Criteria: ACMG Guidelines, 2015. Collection method: clinical testing. Allele origin: germline. Affected: yes.

Literature cited by the submitters: PubMed 10712197 (cited by Labcorp Genetics (formerly Invitae), Labcorp); PubMed 23913538 (cited by Labcorp Genetics (formerly Invitae), Labcorp).